The following is an entry in ClinVar:

NM_001394966.1(NEK10):c.2309C>T (p.Ala770Val)

Gene: NEK10 (NIMA related kinase 10; minus strand). Cytogenetic location: 3p24.1.
Variant type: single nucleotide variant.
Coding change: c.2309C>T on transcript NM_001394966.1 (MANE Select); coding-DNA position 2309, C replaced by T.
Protein change: p.Ala770Val; replaces alanine 770 with valine.
Molecular consequence: missense variant.
Genome position (GRCh38, 1-based): chr3:27,192,225, G>A on the plus strand (C>T on the coding strand, the complement: NEK10 is on the minus strand). VCF-style: chr3-27192225-G-A. GRCh37 (hg19) VCF-style: chr3-27233716-G-A.
Other names: c.245C>T, p.Ala82Val (NM_001031741.5, NM_001304384.3); c.2309C>T, p.Ala770Val (NM_001394963.1, NM_001394965.1, NM_001394970.1 and 2 more transcripts); c.2222C>T, p.Ala741Val (NM_001394964.1, NM_001394967.1); c.2192C>T, p.Ala731Val (NM_001394968.1); c.2021C>T, p.Ala674Val (NM_001394969.1); short protein forms A674V, A731V, A741V, A770V, A82V.
Identifiers: ClinVar variation 2653633 (VCV002653633.24), dbSNP rs34344159, ClinGen allele CA2290506.

ClinVar aggregate classification (germline): Benign (1 of 4 stars; one submission).

Allele frequency attached by ClinVar (database versions not stated): 1000 Genomes Project 30x 0.00219; 1000 Genomes Project 0.00260; TOPMed 0.00548; gnomAD 0.00627; ESP Exome Variant Server 0.00677; ExAC 0.00718; gnomAD exomes 0.00979.
gnomAD v4.1: 15,146 of 1,613,530 alleles (0.94%); highest among the groups gnomAD compares: Non-Finnish European, 1.2%; 77 homozygotes.

Submission:

CeGaT Center for Human Genetics Tuebingen
Classification: Benign. Last evaluated: 2026-07-01. Review status: criteria provided, single submitter. Criteria: CeGaT Center For Human Genetics Tuebingen Variant Classification Criteria Version 2. Collection method: clinical testing. Allele origin: germline. Affected: yes. Observed: 5 variant alleles.
Comment: NEK10: BP4, BS1, BS2